The following is an entry in ClinVar:

ClinVar aggregate classification (germline): Uncertain significance. Review status: criteria provided, multiple submitters, no conflicts (2 of 4 stars). 2 submissions from 2 submitters: Uncertain significance (2). Last evaluated 2021-05-01.

Allele frequency attached by ClinVar (database versions not stated): gnomAD exomes below 0.00001; ExAC 0.00001; TOPMed 0.00001.

Submissions (2):

Labcorp Genetics (formerly Invitae), Labcorp
Classification: Uncertain significance. Last evaluated: 2021-05-01. Review status: criteria provided, single submitter. Criteria: Invitae Variant Classification Sherloc (09022015). Collection method: clinical testing. Allele origin: germline.
Comment: Advanced modeling of protein sequence and biophysical properties (such as structural, functional, and spatial information, amino acid conservation, physicochemical variation, residue mobility, and thermodynamic stability) performed at Invitae indicates that this missense variant is not expected to disrupt COL11A1 protein function. This variant has not been reported in the literature in individuals with COL11A1-related conditions. The frequency data for this variant in the population databases is considered unreliable, as metrics indicate poor data quality at this position in the ExAC database. This sequence change replaces valine with leucine at codon 671 of the COL11A1 protein (p.Val671Leu). The valine residue is moderately conserved and there is a small physicochemical difference between valine and leucine. In summary, the available evidence is currently insufficient to determine the role of this variant in disease. Therefore, it has been classified as a Variant of Uncertain Significance.

GeneDx
Classification: Uncertain significance. Last evaluated: 2019-08-07. Review status: criteria provided, single submitter. Criteria: GeneDx Variant Classification Process June 2021. Collection method: clinical testing. Allele origin: germline. Affected: yes.
Comment: Has not been previously published as pathogenic or benign to our knowledge; Not observed at a significant frequency in large population cohorts (Lek et al., 2016); In silico analysis, which includes protein predictors and evolutionary conservation, supports that this variant does not alter protein structure/function

NM_001854.4(COL11A1):c.2011G>T (p.Val671Leu)

Gene: COL11A1 (collagen type XI alpha 1 chain; minus strand). Cytogenetic location: 1p21.1.
Variant type: single nucleotide variant.
Coding change: c.2011G>T on transcript NM_001854.4 (MANE Select); coding-DNA position 2011, G replaced by T.
Protein change: p.Val671Leu; replaces valine 671 with leucine.
Molecular consequence: missense variant. On other transcripts: non-coding transcript variant (1).
Genome position (GRCh38, 1-based): chr1:103,002,779, C>A on the plus strand (G>T on the coding strand, the complement: COL11A1 is on the minus strand). VCF-style: chr1-103002779-C-A. GRCh37 (hg19) VCF-style: chr1-103468335-C-A.
Other names: c.1894G>T, p.Val632Leu (NM_001190709.2); c.2047G>T, p.Val683Leu (NM_080629.3); c.1663G>T, p.Val555Leu (NM_080630.4); short protein forms V555L, V632L, V671L, V683L.
Identifiers: ClinVar variation 1307657 (VCV001307657.9), dbSNP rs201602988, ClinGen allele CA974692.
Genomic context (GRCh38, chr1:103,002,779, plus strand): 5'-AGTTATTTTATCACTATTTGCTACATACCATGTTCCCTTTTGGTCCTGGGGGGCCATCTA[C>A]ACCTGCCATACCCTGCAATGAAGAAAAAGTATTTATGGTTGTTTATATGTTTTGATGCTA-3'
Protein context (NP_001845.3, residues 661-681): GAPGQPGMAG[Val671Leu]DGPPGPKGNM